The following is an entry in ClinVar:

ClinVar aggregate classification (germline): Likely benign. Review status: criteria provided, multiple submitters, no conflicts (2 of 4 stars). 4 submissions from 4 submitters: Likely benign (4). Last evaluated 2026-02-01.

Conditions:
PARN-related disorder. Also called: PARN-related condition; PARN-related disorders.
Dyskeratosis congenita, autosomal recessive 6 (DKCB6). Identifiers: MedGen C4225356, MONDO:0014600, OMIM 616353.
Pulmonary fibrosis and/or bone marrow failure, Telomere-related, 4. Also called: PULMONARY FIBROSIS AND/OR BONE MARROW FAILURE SYNDROME, TELOMERE-RELATED, 4. Identifiers: Orphanet 2032, MedGen C4225347, MONDO:0014612, OMIM 616371.

Allele frequency attached by ClinVar (database versions not stated): gnomAD 0.00010; gnomAD exomes 0.00010 and 0.00014; TOPMed 0.00012; ExAC 0.00014; ESP Exome Variant Server 0.00025.
gnomAD v4.1: 159 of 1,613,830 alleles (0.0099%); highest among the groups gnomAD compares: Middle Eastern, 0.016%; 1 homozygote.

Submissions (4):

Labcorp Genetics (formerly Invitae), Labcorp
Classification: Likely benign for Dyskeratosis congenita, autosomal recessive 6; Pulmonary fibrosis and/or bone marrow failure, Telomere-related, 4. Last evaluated: 2026-02-01. Review status: criteria provided, single submitter. Criteria: Invitae Variant Classification Sherloc (09022015). Collection method: clinical testing. Allele origin: germline.

PreventionGenetics, part of Exact Sciences
Classification: Likely benign for PARN-related condition. Last evaluated: 2025-04-30. Review status: criteria provided, single submitter. Criteria: ACMG Guidelines, 2015. Collection method: clinical testing. Allele origin: germline.
Comment: This variant is classified as likely benign based on ACMG/AMP sequence variant interpretation guidelines (Richards et al. 2015 PMID: 25741868, with internal and published modifications).

Blueprint Genetics
Classification: Likely benign. Last evaluated: 2024-10-29. Review status: criteria provided, single submitter. Criteria: ACMG Guidelines, 2015. Collection method: clinical testing. Allele origin: germline.

CeGaT Center for Human Genetics Tuebingen
Classification: Likely benign. Last evaluated: 2024-06-01. Review status: criteria provided, single submitter. Criteria: CeGaT Center For Human Genetics Tuebingen Variant Classification Criteria Version 2. Collection method: clinical testing. Allele origin: germline. Affected: yes. Observed: 2 variant alleles.
Comment: PARN: BP4, BP7

NM_002582.4(PARN):c.1572A>G (p.Arg524=)

Gene: PARN (poly(A)-specific ribonuclease; minus strand). Cytogenetic location: 16p13.12.
Variant type: single nucleotide variant.
Coding change: c.1572A>G on transcript NM_002582.4 (MANE Select); coding-DNA position 1572, A replaced by G.
Protein change: p.Arg524=; no amino-acid change (arginine 524 retained).
Molecular consequence: synonymous variant.
Genome position (GRCh38, 1-based): chr16:14,482,736, T>C on the plus strand (A>G on the coding strand, the complement: PARN is on the minus strand). VCF-style: chr16-14482736-T-C. GRCh37 (hg19) VCF-style: chr16-14576593-T-C.
Other names: c.1389A>G, p.Arg463= (NM_001134477.3); c.1434A>G, p.Arg478= (NM_001242992.2).
Identifiers: ClinVar variation 791646 (VCV000791646.37), dbSNP rs370717086, ClinGen allele CA7911986.